The following is an entry in ClinVar:

NM_001292063.2(OTOG):c.335C>G (p.Ala112Gly)

Gene: OTOG (otogelin; plus strand). Cytogenetic location: 11p15.1.
Variant type: single nucleotide variant.
Coding change: c.335C>G on transcript NM_001292063.2 (MANE Select); coding-DNA position 335, C replaced by G.
Protein change: p.Ala112Gly; replaces alanine 112 with glycine.
Molecular consequence: missense variant.
Genome position (GRCh38, 1-based): chr11:17,553,161, C>G. VCF-style: chr11-17553161-C-G. GRCh37 (hg19) VCF-style: chr11-17574708-C-G.
Other names: c.371C>G, p.Ala124Gly (NM_001277269.2); short protein forms A124G, A112G.
Identifiers: ClinVar variation 229089 (VCV000229089.19), dbSNP rs545257884, ClinGen allele CA10576852.

ClinVar aggregate classification (germline): Conflicting classifications of pathogenicity. Review status: criteria provided, conflicting classifications (1 of 4 stars). 5 submissions from 5 submitters: Uncertain significance (3); Likely benign (1). 1 of the submissions does not count toward it. Last evaluated 2025-10-24.

Conditions:
OTOG-related disorder. Also called: OTOG-related condition.
Autosomal recessive nonsyndromic hearing loss 18B. Also called: Deafness, autosomal recessive 18b. Identifiers: Orphanet 90636, MedGen C3554163, MONDO:0013985, OMIM 614945.

Allele frequency attached by ClinVar (database versions not stated): TOPMed 0.00017; gnomAD exomes 0.00048.
gnomAD v4.1: 112 of 1,550,568 alleles (0.0072%); highest among the groups gnomAD compares: Admixed American, 0.16%; no homozygotes.

Submissions (5):

Labcorp Genetics (formerly Invitae), Labcorp
Classification: Likely benign. Last evaluated: 2025-10-24. Review status: criteria provided, single submitter. Criteria: Invitae Variant Classification Sherloc (09022015). Collection method: clinical testing. Allele origin: germline.

GeneDx
Classification: Uncertain significance. Last evaluated: 2021-05-13. Review status: criteria provided, single submitter. Criteria: GeneDx Variant Classification Process June 2021. Collection method: clinical testing. Allele origin: germline. Affected: yes.
Comment: In silico analysis, which includes protein predictors and evolutionary conservation, supports that this variant does not alter protein structure/function; Has not been previously published as pathogenic or benign to our knowledge

Baylor Genetics
Classification: Uncertain significance for Autosomal recessive nonsyndromic hearing loss 18B. Last evaluated: 2018-02-13. Review status: criteria provided, single submitter. Criteria: ACMG Guidelines, 2015. Collection method: clinical testing. Allele origin: maternal. Affected: yes.
Comment: This variant was determined to be of uncertain significance according to ACMG Guidelines, 2015 [PMID:25741868].

Laboratory for Molecular Medicine, Mass General Brigham Personalized Medicine
Classification: Uncertain significance. Last evaluated: 2015-07-31. Review status: criteria provided, single submitter. Criteria: LMM Criteria. Collection method: clinical testing. Allele origin: germline. Observed: 1 variant allele.
Comment: The p.Ala124Gly variant in OTOG has not been previously reported in individuals with hearing loss. Data from large population studies is insufficient to assess the frequency of this variant. Computational prediction tools and conservation a nalyses suggest that the p.Ala124Gly variant may not impact the protein, though this information is not predictive enough to rule out pathogenicity. In summary, the clinical significance of the p.Ala124Gly variant is uncertain.

PreventionGenetics, part of Exact Sciences
Classification: Likely benign for OTOG-related condition. Last evaluated: 2024-09-27. Review status: no assertion criteria provided. Collection method: clinical testing. Allele origin: germline. Not counted in ClinVar's aggregate classification.
Comment: This variant is classified as likely benign based on ACMG/AMP sequence variant interpretation guidelines (Richards et al. 2015 PMID: 25741868, with internal and published modifications).